The following is an entry in ClinVar:

ClinVar aggregate classification (germline): Uncertain significance. Review status: criteria provided, single submitter (1 of 4 stars). 2 submissions from 2 submitters: Uncertain significance (1). 1 of the submissions does not count toward it. Last evaluated 2024-12-23.

Conditions:
NOTCH3-related disorder. Also called: NOTCH3-related condition; NOTCH3-related disorders.

Submissions (2):

Labcorp Genetics (formerly Invitae), Labcorp
Classification: Uncertain significance. Last evaluated: 2024-12-23. Review status: criteria provided, single submitter. Criteria: Invitae Variant Classification Sherloc (09022015). Collection method: clinical testing. Allele origin: germline.
Comment: This sequence change replaces cysteine, which is neutral and slightly polar, with tyrosine, which is neutral and polar, at codon 87 of the NOTCH3 protein (p.Cys87Tyr). This variant is not present in population databases (gnomAD no frequency). This missense change has been observed in individual(s) with clinical features of cerebral arteriopathy with subcortical infarcts and leukoencephalopathy 1 (PMID: 15364702; internal data). Invitae Evidence Modeling of protein sequence and biophysical properties (such as structural, functional, and spatial information, amino acid conservation, physicochemical variation, residue mobility, and thermodynamic stability) indicates that this missense variant is expected to disrupt NOTCH3 protein function with a positive predictive value of 95%. In summary, the available evidence is currently insufficient to determine the role of this variant in disease. Therefore, it has been classified as a Variant of Uncertain Significance.

PreventionGenetics, part of Exact Sciences
Classification: Likely pathogenic for NOTCH3-related condition. Last evaluated: 2024-09-09. Review status: no assertion criteria provided. Collection method: clinical testing. Allele origin: germline. Not counted in ClinVar's aggregate classification.
Comment: The NOTCH3 c.260G>A variant is predicted to result in the amino acid substitution p.Cys87Tyr. This variant was reported in an individual with CADASIL (referred to as 338G>A and C87Y, Opherk et al. 2004. PubMed ID: 15364702). Most CADASIL causing variants in the NOTCH3 gene result in the gain or loss of one or more cysteine residues in the extracellular domain of the protein, as seen in this patient. This patient’s variant alters a cysteine residue and is located in the extracellular EGF-like domain 2. Pathogenic variants in EGF-like domains 1-6 appear to be fully penetrant and are usually associated with the classical CADASIL phenotype. However, there is variability in disease severity (OMIM #125310; Rutten et al. 2016. PubMed ID: 27844030; Rutten et al. 2019. PubMed ID: 30032161). This variant has not been reported in a large population database, indicating this variant is rare. This variant is interpreted as likely pathogenic.

Literature cited by the submitters: PubMed 15364702 (cited by Labcorp Genetics (formerly Invitae), Labcorp).

NM_000435.3(NOTCH3):c.260G>A (p.Cys87Tyr)

Gene: NOTCH3 (notch receptor 3; minus strand). Cytogenetic location: 19p13.12.
Variant type: single nucleotide variant.
Coding change: c.260G>A on transcript NM_000435.3 (MANE Select); coding-DNA position 260, G replaced by A.
Protein change: p.Cys87Tyr; replaces cysteine 87 with tyrosine.
Molecular consequence: missense variant.
Genome position (GRCh38, 1-based): chr19:15,192,457, C>T on the plus strand (G>A on the coding strand, the complement: NOTCH3 is on the minus strand). VCF-style: chr19-15192457-C-T. GRCh37 (hg19) VCF-style: chr19-15303268-C-T.
Other names: short protein forms C87Y.
Identifiers: ClinVar variation 3344927 (VCV003344927.3).